The following is an entry in ClinVar:

ClinVar aggregate classification (germline): Benign/Likely benign. Review status: criteria provided, multiple submitters, no conflicts (2 of 4 stars). 3 submissions from 3 submitters: Benign (1); Likely benign (2). Last evaluated 2026-02-19.

Conditions:
Hereditary sensory and autonomic neuropathy type 1 (HSAN1). Also called: HSAN 1; HSN Type I; Hereditary Sensory Neuropathy Type I. Identifiers: Orphanet 36386, MedGen C0020071, MONDO:0018213.
SPTLC1-related disorder. Also called: SPTLC1-related condition.

Allele frequency attached by ClinVar (database versions not stated): 1000 Genomes Project 30x 0.00031; gnomAD exomes 0.00010 and 0.00003; gnomAD 0.00032 and 0.00034; TOPMed 0.00034; 1000 Genomes Project 0.00040; ExAC 0.00012; ESP Exome Variant Server 0.00015.

Submissions (3):

PreventionGenetics, part of Exact Sciences
Classification: Likely benign for SPTLC1-related condition. Last evaluated: 2026-02-19. Review status: criteria provided, single submitter. Criteria: ACMG Guidelines, 2015. Collection method: clinical testing. Allele origin: germline.
Comment: This variant is classified as likely benign based on ACMG/AMP sequence variant interpretation guidelines (Richards et al. 2015 PMID: 25741868, with internal and published modifications).

Labcorp Genetics (formerly Invitae), Labcorp
Classification: Benign for Hereditary sensory and autonomic neuropathy type 1. Last evaluated: 2025-10-19. Review status: criteria provided, single submitter. Criteria: Invitae Variant Classification Sherloc (09022015). Collection method: clinical testing. Allele origin: germline.

CeGaT Center for Human Genetics Tuebingen
Classification: Likely benign. Last evaluated: 2024-10-01. Review status: criteria provided, single submitter. Criteria: CeGaT Center For Human Genetics Tuebingen Variant Classification Criteria Version 2. Collection method: clinical testing. Allele origin: germline. Affected: yes. Observed: 1 variant allele.
Comment: SPTLC1: BP4, BP7, BS1

NM_006415.4(SPTLC1):c.1200G>A (p.Glu400=)

Gene: SPTLC1 (serine palmitoyltransferase long chain base subunit 1; minus strand). Cytogenetic location: 9q22.31.
Variant type: single nucleotide variant.
Coding change: c.1200G>A on transcript NM_006415.4 (MANE Select); coding-DNA position 1200, G replaced by A.
Protein change: p.Glu400=; no amino-acid change (glutamic acid 400 retained).
Molecular consequence: synonymous variant.
Genome position (GRCh38, 1-based): chr9:92,038,302, C>T on the plus strand (G>A on the coding strand, the complement: SPTLC1 is on the minus strand). VCF-style: chr9-92038302-C-T. GRCh37 (hg19) VCF-style: chr9-94800584-C-T.
Other names: c.1200G>A, p.Glu400= (NM_001281303.2); c.834G>A, p.Glu278= (NM_001368272.1); c.735G>A, p.Glu245= (NM_001368273.1).
Identifiers: ClinVar variation 771993 (VCV000771993.23), dbSNP rs139111476, ClinGen allele CA5121284.